The following is an entry in ClinVar:

NM_001267550.2(TTN):c.947C>A (p.Ser316Tyr)

Gene: TTN (titin; minus strand). Cytogenetic location: 2q31.2.
Variant type: single nucleotide variant.
Coding change: c.947C>A on transcript NM_001267550.2 (MANE Select); coding-DNA position 947, C replaced by A.
Protein change: p.Ser316Tyr; replaces serine 316 with tyrosine.
Molecular consequence: missense variant.
Genome position (GRCh38, 1-based): chr2:178,795,220, G>T on the plus strand (C>A on the coding strand, the complement: TTN is on the minus strand). VCF-style: chr2-178795220-G-T. GRCh37 (hg19) VCF-style: chr2-179659947-G-T.
Other names: c.947C>A, p.Ser316Tyr (NM_001256850.1, NM_003319.4, NM_133378.4 and 3 more transcripts); short protein forms S316Y.
Identifiers: ClinVar variation 586908 (VCV000586908.2), dbSNP rs1357433834, ClinGen allele CA349519762.

ClinVar aggregate classification (germline): Uncertain significance. Review status: criteria provided, multiple submitters, no conflicts (2 of 4 stars). 2 submissions from 2 submitters: Uncertain significance (2). Last evaluated 2026-09-17.

Conditions:
TTN-related disorder. Also called: TTN-related condition; TTN-related disease; TTN-related disorders.

Allele frequency attached by ClinVar (database versions not stated): TOPMed 0.00002; gnomAD 0.00006.
gnomAD v4.1: 6 of 1,614,014 alleles (0.00037%); highest among the groups gnomAD compares: East Asian, 0.0067%; no homozygotes.

Submissions (2):

PreventionGenetics, part of Exact Sciences
Classification: Uncertain significance for TTN-related condition. Last evaluated: 2026-09-17. Review status: criteria provided, single submitter. Criteria: ACMG Guidelines, 2015. Collection method: clinical testing. Allele origin: germline.
Comment: The TTN c.947C>A variant is predicted to result in the amino acid substitution p.Ser316Tyr. To our knowledge, this variant has not been reported in the literature. This variant is reported in 0.023% of alleles in individuals of African descent in gnomAD. At this time, the clinical significance of this variant is uncertain due to the absence of conclusive functional and genetic evidence.

Athena Diagnostics
Classification: Uncertain significance. Last evaluated: 2017-09-27. Review status: criteria provided, single submitter. Criteria: Athena Diagnostics Criteria. Collection method: clinical testing. Allele origin: germline.